The following is an entry in ClinVar:

NM_020338.4(ZMIZ1):c.2617C>T (p.Pro873Ser)

Gene: ZMIZ1 (zinc finger MIZ-type containing 1; plus strand). Cytogenetic location: 10q22.3.
Variant type: single nucleotide variant.
Coding change: c.2617C>T on transcript NM_020338.4 (MANE Select); coding-DNA position 2617, C replaced by T.
Protein change: p.Pro873Ser; replaces proline 873 with serine.
Molecular consequence: missense variant.
Genome position (GRCh38, 1-based): chr10:79,306,293, C>T. VCF-style: chr10-79306293-C-T. GRCh37 (hg19) VCF-style: chr10-81066050-C-T.
Other names: short protein forms P873S.
Identifiers: ClinVar variation 2671926 (VCV002671926.3), dbSNP rs1854688281, ClinGen allele CA377342812.
Genomic context (GRCh38, chr10:79,306,293, plus strand): 5'-ATGATCATGCCCAATGTCATGGAGATGATCGCAGCCCTGGGCCCCGGCCCGTCCCCCTAT[C>T]CCCTCCCGCCTCCCCCAGGGGGCACCAACTCCAACGACTACAGCAGCCAAGGTGGGTGAT-3'
Protein context (NP_065071.1, residues 863-883): AALGPGPSPY[Pro873Ser]LPPPPGGTNS

ClinVar aggregate classification (germline): Uncertain significance. Review status: criteria provided, multiple submitters, no conflicts (2 of 4 stars). 2 submissions from 2 submitters: Uncertain significance (2). Last evaluated 2025-12-04.

Conditions:
Neurodevelopmental disorder with dysmorphic facies and distal skeletal anomalies. Identifiers: MedGen C5231448, MONDO:0032855, OMIM 618659.

Allele frequency attached by ClinVar (database versions not stated): gnomAD exomes below 0.00001; TOPMed below 0.00001.
gnomAD v4.1: 2 of 1,613,534 alleles (0.00012%); highest among the groups gnomAD compares: Non-Finnish European, 0.00017%; no homozygotes.

Submissions (2):

Labcorp Genetics (formerly Invitae), Labcorp
Classification: Uncertain significance. Last evaluated: 2025-12-04. Review status: criteria provided, single submitter. Criteria: Invitae Variant Classification Sherloc (09022015). Collection method: clinical testing. Allele origin: germline.
Comment: This sequence change replaces proline, which is neutral and non-polar, with serine, which is neutral and polar, at codon 873 of the ZMIZ1 protein (p.Pro873Ser). This variant is not present in population databases (gnomAD no frequency). This variant has not been reported in the literature in individuals affected with ZMIZ1-related conditions. ClinVar contains an entry for this variant (Variation ID: 2671926). Invitae Evidence Modeling of protein sequence and biophysical properties (such as structural, functional, and spatial information, amino acid conservation, physicochemical variation, residue mobility, and thermodynamic stability) indicates that this missense variant is not expected to disrupt ZMIZ1 protein function with a negative predictive value of 95%. In summary, the available evidence is currently insufficient to determine the role of this variant in disease. Therefore, it has been classified as a Variant of Uncertain Significance.

Baylor Genetics
Classification: Uncertain significance for Neurodevelopmental disorder with dysmorphic facies and distal skeletal anomalies. Last evaluated: 2023-09-15. Review status: criteria provided, single submitter. Criteria: ACMG Guidelines, 2015. Collection method: clinical testing. Allele origin: unknown.